The following is an entry in ClinVar:

ClinVar aggregate classification (germline): Uncertain significance (1 of 4 stars; one submission).

Conditions:
PCSK1-related disorder. Also called: PCSK1-related condition.

gnomAD v4.1: 3 of 1,614,030 alleles (0.00019%); highest among the groups gnomAD compares: African/African-American, 0.004%; no homozygotes.

Submission:

PreventionGenetics, part of Exact Sciences
Classification: Uncertain significance for PCSK1-related condition. Last evaluated: 2024-11-11. Review status: criteria provided, single submitter. Criteria: ACMG Guidelines, 2015. Collection method: clinical testing. Allele origin: germline.
Comment: The PCSK1 c.1049C>T variant is predicted to result in the amino acid substitution p.Thr350Ile. This variant was observed in a cohort of obese individuals, and in vitro functional studies showed suggestive evidence of loss of function (Supplemental Data Set, Shah et al. 2023. PubMed ID: 36864747). This variant is reported in 0.012% of alleles in individuals of African descent in gnomAD. At this time, the clinical significance of this variant is uncertain due to the absence of conclusive functional and genetic evidence.

NM_000439.5(PCSK1):c.1049C>T (p.Thr350Ile)

Genes: CAST (calpastatin; plus strand), PCSK1 (proprotein convertase subtilisin/kexin type 1; minus strand), LOC101929710 (uncharacterized LOC101929710; plus strand). Cytogenetic location: 5q15.
Variant type: single nucleotide variant.
Coding change: c.1049C>T on transcript NM_000439.5 (MANE Select); coding-DNA position 1049, C replaced by T.
Protein change: p.Thr350Ile; replaces threonine 350 with isoleucine.
Molecular consequence: missense variant. On other transcripts: intron variant (11).
Genome position (GRCh38, 1-based): chr5:96,410,820, G>A on the plus strand (C>T on the coding strand, the complement: PCSK1 is on the minus strand). VCF-style: chr5-96410820-G-A. GRCh37 (hg19) VCF-style: chr5-95746524-G-A.
Other names: c.908C>T, p.Thr303Ile (NM_001177875.2); c.-175+31168G>A (NM_001423254.1, NM_001423259.1, NM_001423255.1 and 6 more transcripts); c.-103+31168G>A (NM_001423253.1); c.-40+31168G>A (NM_001423258.1); short protein forms T350I, T303I.
Identifiers: ClinVar variation 4984730 (VCV004984730.1).
Genomic context (GRCh38, chr5:96,410,820, plus strand): 5'-CAAAAGCAACATACGATTCTCTGGTCGGTGTAATCTCCGCTGCTGTAAGAGGTGGCCAGT[G>A]TGGAGGAGCACTTCTCAGCGTACCAGGGGGATAGGCCTTGCTGGGAGGCACTGCTGATGG-3'
Protein context (NP_000430.3, residues 340-360): SPWYAEKCSS[Thr350Ile]LATSYSSGDY